The following is an entry in ClinVar:

NM_006846.4(SPINK5):c.411-5T>A

Gene: SPINK5 (serine peptidase inhibitor Kazal type 5; plus strand). Cytogenetic location: 5q32.
Variant type: single nucleotide variant.
Coding change: c.411-5T>A on transcript NM_006846.4 (MANE Select); 5 bases into the intron before coding-DNA position 411, T replaced by A.
Molecular consequence: intron variant.
Genome position (GRCh38, 1-based): chr5:148,088,537, T>A. VCF-style: chr5-148088537-T-A. GRCh37 (hg19) VCF-style: chr5-147468100-T-A.
Other names: NC_000005.10:g.148088537T>A; c.411-5T>A (NM_001127698.2, NM_001127699.2).
Identifiers: ClinVar variation 374568 (VCV000374568.43), dbSNP rs775468293, ClinGen allele CA3495214.
Genomic context (GRCh38, chr5:148,088,537, plus strand): 5'-TTAGGTTTGAATGGTGGGAAGTTCTGTGATATTAAACTGCTGTGTCTACTAACTTTTGAT[T>A]CTAGGAAAACCGGGTCCCAAATTGGTGTAAAAAGTGAAGGGGAATGTAAGAGCAGTAATC-3'

ClinVar aggregate classification (germline): Conflicting classifications of pathogenicity. Review status: criteria provided, conflicting classifications (1 of 4 stars). 2 submissions from 2 submitters: Likely pathogenic (1); Uncertain significance (1). Last evaluated 2026-04-13.

Conditions:
Netherton syndrome (NETH). Also called: NETHERTON DISEASE; ERYTHRODERMA, ICHTHYOSIFORM, WITH HYPOTRICHOSIS AND HYPER-IgE; COMEL-NETHERTON SYNDROME. Identifiers: Orphanet 634, MedGen C5574950, MONDO:0009735, OMIM 256500.

Allele frequency attached by ClinVar (database versions not stated): gnomAD exomes 0.00001; ExAC 0.00002; TOPMed 0.00002.
gnomAD v4.1: 25 of 1,611,368 alleles (0.0016%); highest among the groups gnomAD compares: Non-Finnish European, 0.002%; no homozygotes.

Submissions (2):

Laboratory of Molecular Genetics, Federal State Budgetary Educational Institution of Higher Education, Saint Petersburg State Pediatric Medical University of the Ministry of Health of the Russian Federation
Classification: Likely pathogenic for Netherton syndrome. Last evaluated: 2026-04-13. Review status: criteria provided, single submitter. Criteria: ACMG Guidelines, 2015. Collection method: clinical testing. Allele origin: germline. Inheritance: Autosomal recessive inheritance. Affected: yes. Observed: 1 variant allele, 1 compound heterozygote.
Comment: The intronic variant NM_006846.4(SPINK5):c.411-5T>A (rs775468293) is classified as Likely Pathogenic based on clinical, population, and computational evidence according to ACMG/AMP guidelines. This variant was identified in a heterozygous state alongside a known pathogenic nonsense mutation c.2098G>T (p.Gly700)*. The c.411-5T>A substitution is located within the highly conserved polypyrimidine tract of the acceptor splice site for exon 6, and in silico tools consistently predict a significant weakening of the natural splice site. Furthermore, the variant is nearly absent from the gnomAD population database. The perfect correlation between the patient's specific symptoms and the presence of two rare deleterious variants in SPINK5 strongly supports its pathogenicity in this clinical context (Criteria: PM2, PM3_Supporting, PP3, PP4).

CeGaT Center for Human Genetics Tuebingen
Classification: Uncertain significance. Last evaluated: 2016-09-01. Review status: criteria provided, single submitter. Criteria: CeGaT Center For Human Genetics Tuebingen Variant Classification Criteria Version 2. Collection method: clinical testing. Allele origin: germline. Affected: yes. Observed: 1 variant allele.